The following is an entry in ClinVar:

ClinVar aggregate classification (germline): Uncertain significance (1 of 4 stars; one submission).

Submission:

CeGaT Center for Human Genetics Tuebingen
Classification: Uncertain significance. Last evaluated: 2022-09-01. Review status: criteria provided, single submitter. Criteria: CeGaT Center For Human Genetics Tuebingen Variant Classification Criteria Version 2. Collection method: clinical testing. Allele origin: germline. Affected: yes. Observed: 1 variant allele.
Comment: EMD: PM2, BP1

NM_000117.3(EMD):c.616A>G (p.Ile206Val)

Gene: EMD (emerin; plus strand). Cytogenetic location: Xq28.
Variant type: single nucleotide variant.
Coding change: c.616A>G on transcript NM_000117.3 (MANE Select); coding-DNA position 616, A replaced by G.
Protein change: p.Ile206Val; replaces isoleucine 206 with valine.
Molecular consequence: missense variant.
Genome position (GRCh38, 1-based): chrX:154,381,048, A>G. VCF-style: chrX-154381048-A-G. GRCh37 (hg19) VCF-style: chrX-153609408-A-G.
Other names: short protein forms I206V.
Identifiers: ClinVar variation 2661798 (VCV002661798.24), dbSNP rs2522790523, ClinGen allele CA415259026.